The following is an entry in ClinVar:

ClinVar aggregate classification (germline): Uncertain significance (1 of 4 stars; one submission).

Submission:

GeneDx
Classification: Uncertain significance. Last evaluated: 2024-04-08. Review status: criteria provided, single submitter. Criteria: GeneDx Variant Classification Process June 2021. Collection method: clinical testing. Allele origin: germline. Affected: yes.
Comment: Not observed at significant frequency in large population cohorts (gnomAD); In silico analysis supports that this missense variant has a deleterious effect on protein structure/function; Has not been previously published as pathogenic or benign to our knowledge

NM_181523.3(PIK3R1):c.1079C>T (p.Ala360Val)

Gene: PIK3R1 (phosphoinositide-3-kinase regulatory subunit 1; plus strand). Cytogenetic location: 5q13.1.
Variant type: single nucleotide variant.
Coding change: c.1079C>T on transcript NM_181523.3 (MANE Select); coding-DNA position 1079, C replaced by T.
Protein change: p.Ala360Val; replaces alanine 360 with valine.
Molecular consequence: missense variant. On other transcripts: 5 prime UTR variant (1).
Genome position (GRCh38, 1-based): chr5:68,293,160, C>T. VCF-style: chr5-68293160-C-T. GRCh37 (hg19) VCF-style: chr5-67588988-C-T.
Other names: c.-11C>T (NM_001242466.2); c.269C>T, p.Ala90Val (NM_181504.4); c.179C>T, p.Ala60Val (NM_181524.2); short protein forms A360V, A60V, A90V.
Identifiers: ClinVar variation 3371651 (VCV003371651.1).
Genomic context (GRCh38, chr5:68,293,160, plus strand): 5'-GGGAAGAAGTGAATGAAAAACTTCGAGATACAGCAGACGGGACCTTTTTGGTACGAGATG[C>T]GTCTACTAAAATGCATGGTGATTATACTCTTACACTAAGGTAAGCCAGGGAATATAGCTG-3'
Protein context (NP_852664.1, residues 350-370): TADGTFLVRD[Ala360Val]STKMHGDYTL